The following is an entry in ClinVar:

NM_019098.5(CNGB3):c.1672G>T (p.Gly558Cys)

Gene: CNGB3 (cyclic nucleotide gated channel subunit beta 3; minus strand). Cytogenetic location: 8q21.3.
Variant type: single nucleotide variant.
Coding change: c.1672G>T on transcript NM_019098.5 (MANE Select); coding-DNA position 1672, G replaced by T.
Protein change: p.Gly558Cys; replaces glycine 558 with cysteine.
Molecular consequence: missense variant.
Genome position (GRCh38, 1-based): chr8:86,604,202, C>A on the plus strand (G>T on the coding strand, the complement: CNGB3 is on the minus strand). VCF-style: chr8-86604202-C-A. GRCh37 (hg19) VCF-style: chr8-87616430-C-A.
Other names: short protein forms G558C.
Identifiers: ClinVar variation 554831 (VCV000554831.13), dbSNP rs749413012, ClinGen allele CA4799932.

ClinVar aggregate classification (germline): Uncertain significance. Review status: criteria provided, multiple submitters, no conflicts (2 of 4 stars). 6 submissions from 6 submitters: Uncertain significance (4). 2 of the submissions do not count toward it. Last evaluated 2025-07-28.

Conditions:
Retinitis pigmentosa (RP). Identifiers: Orphanet 791, MedGen C0035334, MeSH D012174, MONDO:0019200, OMIM 268000. Inheritance: Autosomal dominant, autosomal recessive and X linked inheritance.
CNGB3-related disorder. Also called: CNGB3-related condition; CNGB3-related disorders. Identifiers: MedGen CN239340.
Achromatopsia. Also called: Rod monochromatism. Identifiers: Orphanet 49382, MedGen C0152200, MONDO:0018852, HP:0011516.
Achromatopsia 3 (ACHM3). Also called: ROD MONOCHROMACY 1; ROD MONOCHROMATISM 1; ACHROMATOPSIA WITH MYOPIA; PINGELAPESE BLINDNESS; TOTAL COLORBLINDNESS WITH MYOPIA. Identifiers: Orphanet 49382, MedGen C1849792, MONDO:0009875, OMIM 262300.

Allele frequency attached by ClinVar (database versions not stated): gnomAD 0.00007; TOPMed 0.00010.
gnomAD v4.1: 60 of 1,596,052 alleles (0.0038%); highest among the groups gnomAD compares: Admixed American, 0.038%; no homozygotes.

Submissions (6):

PreventionGenetics, part of Exact Sciences
Classification: Uncertain significance for CNGB3-related condition. Last evaluated: 2025-07-28. Review status: criteria provided, single submitter. Criteria: ACMG Guidelines, 2015. Collection method: clinical testing. Allele origin: germline.
Comment: The CNGB3 c.1672G>T variant is predicted to result in the amino acid substitution p.Gly558Cys. This variant has been reported in the heterozygous state in an individual with achromatopsia (Nishiguchi et al. 2005. PubMed ID: 15712225). Functional studies of this variant reveals that this variant increases channel activity compared to wild-type, suggesting a gain-of-function mechanism (Meighan et. 2015. PubMed ID: 26106334). This variant is reported in 0.038% of alleles in individuals of Latino descent in gnomAD. At this time, the clinical significance of this variant is uncertain due to the absence of conclusive functional and genetic evidence.

Labcorp Genetics (formerly Invitae), Labcorp
Classification: Uncertain significance. Last evaluated: 2024-12-09. Review status: criteria provided, single submitter. Criteria: Invitae Variant Classification Sherloc (09022015). Collection method: clinical testing. Allele origin: germline.
Comment: This sequence change replaces glycine, which is neutral and non-polar, with cysteine, which is neutral and slightly polar, at codon 558 of the CNGB3 protein (p.Gly558Cys). This variant is present in population databases (rs749413012, gnomAD 0.04%). This missense change has been observed in individual(s) with achromatopsia or retinitis pigmentosa (PMID: 15712225). ClinVar contains an entry for this variant (Variation ID: 554831). Invitae Evidence Modeling of protein sequence and biophysical properties (such as structural, functional, and spatial information, amino acid conservation, physicochemical variation, residue mobility, and thermodynamic stability) has been performed for this missense variant. However, the output from this modeling did not meet the statistical confidence thresholds required to predict the impact of this variant on CNGB3 protein function. Experimental studies have shown that this missense change affects CNGB3 function (PMID: 26106334). In summary, the available evidence is currently insufficient to determine the role of this variant in disease. Therefore, it has been classified as a Variant of Uncertain Significance.

Blueprint Genetics
Classification: Uncertain significance. Last evaluated: 2024-03-13. Review status: criteria provided, single submitter. Criteria: ACMG Guidelines, 2015. Collection method: clinical testing. Allele origin: germline.

Myriad Genetics, Inc.
Classification: Uncertain significance for Achromatopsia 3. Last evaluated: 2021-11-10. Review status: criteria provided, single submitter. Criteria: Myriad Women's Health Autosomal Recessive and X-Linked Classification Criteria (2021). Collection method: clinical testing. Allele origin: unknown.
Comment: NM_019098.4(CNGB3):c.1672G>T(G558C) is a missense variant classified as a variant of uncertain significance in the context of CNGB3-related achromatopsia. G558C has been observed in cases with relevant disease (PMID: 15712225, 28224992, 28005958). Functional assessments of this variant are available in the literature (PMID: 26106334). G558C has been observed in population frequency databases (gnomAD: AMR 0.04%). In summary, there is insufficient evidence to classify NM_019098.4(CNGB3):c.1672G>T(G558C) as pathogenic or benign. Please note: this variant was assessed in the context of healthy population screening.

Natera, Inc.
Classification: Uncertain significance for Achromatopsia. Last evaluated: 2020-09-16. Review status: no assertion criteria provided. Collection method: clinical testing. Allele origin: germline. Not counted in ClinVar's aggregate classification.

Joint Genome Diagnostic Labs from Nijmegen and Maastricht, Radboudumc and MUMC+
Classification: Uncertain significance for Retinitis pigmentosa. Last evaluated: 2016-09-01. Review status: no assertion criteria provided. Collection method: clinical testing. Allele origin: unknown. Affected: yes. Observed: 1 variant allele. Not counted in ClinVar's aggregate classification.

Literature cited by the submitters: PubMed 15712225 (cited by Labcorp Genetics (formerly Invitae), Labcorp and Myriad Genetics, Inc.); PubMed 26106334 (cited by Labcorp Genetics (formerly Invitae), Labcorp and Myriad Genetics, Inc.); PubMed 28224992 (cited by Myriad Genetics, Inc.); PubMed 28005958 (cited by Myriad Genetics, Inc.).